The following is an entry in ClinVar:

ClinVar aggregate classification (germline): Uncertain significance. Review status: criteria provided, multiple submitters, no conflicts (2 of 4 stars). 2 submissions from 2 submitters: Uncertain significance (2). Last evaluated 2025-11-05.

Conditions:
Inborn genetic diseases. Identifiers: MedGen C0950123, MeSH D030342.

Allele frequency attached by ClinVar (database versions not stated): gnomAD 0.00008; TOPMed 0.00008; ExAC 0.00012; ESP Exome Variant Server 0.00023.
gnomAD v4.1: 101 of 1,607,728 alleles (0.0063%); highest among the groups gnomAD compares: African/African-American, 0.028%; no homozygotes.

Submissions (2):

Ambry Genetics
Classification: Uncertain significance for Inborn genetic diseases. Last evaluated: 2025-11-05. Review status: criteria provided, single submitter. Criteria: Ambry Variant Classification Scheme 2023. Collection method: clinical testing. Allele origin: germline.

Labcorp Genetics (formerly Invitae), Labcorp
Classification: Uncertain significance. Last evaluated: 2022-03-12. Review status: criteria provided, single submitter. Criteria: Invitae Variant Classification Sherloc (09022015). Collection method: clinical testing. Allele origin: germline.
Comment: This sequence change replaces methionine, which is neutral and non-polar, with valine, which is neutral and non-polar, at codon 261 of the TRMT5 protein (p.Met261Val). This variant is present in population databases (rs369185885, gnomAD 0.03%). This variant has not been reported in the literature in individuals affected with TRMT5-related conditions. Algorithms developed to predict the effect of missense changes on protein structure and function (SIFT, PolyPhen-2, Align-GVGD) all suggest that this variant is likely to be tolerated. In summary, the available evidence is currently insufficient to determine the role of this variant in disease. Therefore, it has been classified as a Variant of Uncertain Significance.

NM_020810.3(TRMT5):c.781A>G (p.Met261Val)

Gene: TRMT5 (tRNA methyltransferase 5; minus strand). Cytogenetic location: 14q23.1.
Variant type: single nucleotide variant.
Coding change: c.781A>G on transcript NM_020810.3 (MANE Select); coding-DNA position 781, A replaced by G.
Protein change: p.Met261Val; replaces methionine 261 with valine.
Molecular consequence: missense variant.
Genome position (GRCh38, 1-based): chr14:60,977,525, T>C on the plus strand (A>G on the coding strand, the complement: TRMT5 is on the minus strand). VCF-style: chr14-60977525-T-C. GRCh37 (hg19) VCF-style: chr14-61444243-T-C.
Other names: c.781A>G (NM_020810.2); c.865A>G, p.Met289Val (NM_001350253.1); c.862A>G, p.Met288Val (NM_001350254.1); short protein forms M261V, M288V, M289V.
Identifiers: ClinVar variation 2406245 (VCV002406245.6), dbSNP rs369185885, ClinGen allele CA7213838.